The following is an entry in ClinVar:

NM_000051.4(ATM):c.1998_2004del (p.Arg667fs)

Gene: ATM (ATM serine/threonine kinase; plus strand). Cytogenetic location: 11q22.3.
Variant type: Deletion.
Coding change: c.1998_2004del on transcript NM_000051.4 (MANE Select); coding-DNA positions 1998 to 2004, 7 bases deleted (GAGAGAA; older notation c.1998_2004delGAGAGAA).
Protein change: p.Arg667fs; shifts the reading frame from arginine 667.
Molecular consequence: frameshift variant.
Genome position (GRCh38, 1-based): chr11:108,253,913-108,253,919, GAGAGAA deleted. VCF-style (leftmost placement, unchanged base first): chr11-108253912-TGAGAGAA-T. GRCh37 (hg19) VCF-style: chr11-108124639-TGAGAGAA-T.
Other names: c.1998_2004del, p.Arg667fs (NM_001351834.2); short protein forms R667fs.
Identifiers: ClinVar variation 3148493 (VCV003148493.1), dbSNP rs2497313832, ClinGen allele CA2825001778.
Genomic context (GRCh38, chr11:108,253,912, plus strand): 5'-CAGAAGTAGAAGAACTATTTCTTCAGACAACTTTTGACAAGATGGACTTTTTAACCATTG[TGAGAGAA>T]TGTGGTATAGAAAAGCACCAGTCCAGTATTGGCTTCTCTGTCCACCAGAATCTCAAGGAA-3'

ClinVar aggregate classification (germline): Pathogenic (1 of 4 stars; one submission).

Conditions:
Familial cancer of breast. Also called: BREAST CANCER, FAMILIAL; Hereditary breast cancer; hereditary breast carcinoma. Identifiers: Orphanet 227535, MedGen C0346153, MONDO:0016419, OMIM 114480. Disease mechanism: loss of function.

Submission:

Myriad Genetics, Inc.
Classification: Pathogenic for Familial cancer of breast. Last evaluated: 2024-01-17. Review status: criteria provided, single submitter. Criteria: Myriad Autosomal Dominant, Autosomal Recessive and X-Linked Classification Criteria (2023). Collection method: clinical testing. Allele origin: unknown.
Comment: This variant is considered pathogenic. This variant creates a frameshift predicted to result in premature protein truncation.